The following is an entry in ClinVar:

ClinVar aggregate classification (germline): Pathogenic (1 of 4 stars; one submission).

Conditions:
Ehlers-Danlos syndrome, classic type, 1 (EDSCL1). Also called: EHLERS-DANLOS SYNDROME, GRAVIS TYPE; EHLERS-DANLOS SYNDROME, SEVERE CLASSIC TYPE; Ehlers-Danlos syndrome, type 1; Ehlers-Danlos Syndrome, Classic Type, COL5A1-Related; EDS I. Identifiers: MedGen C0268335, MONDO:0019567, OMIM 130000.

Submission:

Labcorp Genetics (formerly Invitae), Labcorp
Classification: Pathogenic for Ehlers-Danlos syndrome, classic type, 1. Last evaluated: 2024-02-23. Review status: criteria provided, single submitter. Criteria: Invitae Variant Classification Sherloc (09022015). Collection method: clinical testing. Allele origin: germline.
Comment: This sequence change creates a premature translational stop signal (p.Tyr236*) in the COL5A1 gene. It is expected to result in an absent or disrupted protein product. Loss-of-function variants in COL5A1 are known to be pathogenic (PMID: 23587214). This variant is not present in population databases (gnomAD no frequency). This variant has not been reported in the literature in individuals affected with COL5A1-related conditions. For these reasons, this variant has been classified as Pathogenic.

Literature cited by the submitters: PubMed 23587214.

NM_000093.5(COL5A1):c.708C>A (p.Tyr236Ter)

Gene: COL5A1 (collagen type V alpha 1 chain; plus strand). Cytogenetic location: 9q34.3.
Variant type: single nucleotide variant.
Coding change: c.708C>A on transcript NM_000093.5 (MANE Select); coding-DNA position 708, C replaced by A.
Protein change: p.Tyr236Ter; replaces tyrosine 236 with a stop codon.
Molecular consequence: nonsense.
Genome position (GRCh38, 1-based): chr9:134,727,319, C>A. VCF-style: chr9-134727319-C-A. GRCh37 (hg19) VCF-style: chr9-137619165-C-A.
Other names: c.708C>A, p.Tyr236Ter (NM_001278074.1); short protein forms Y236*.
Identifiers: ClinVar variation 2699915 (VCV002699915.3), dbSNP rs2490487316, ClinGen allele CA375446289.